The following is an entry in ClinVar:

NM_001843.4(CNTN1):c.2038C>T (p.Arg680Cys)

Gene: CNTN1 (contactin 1; plus strand). Cytogenetic location: 12q12.
Variant type: single nucleotide variant.
Coding change: c.2038C>T on transcript NM_001843.4 (MANE Select); coding-DNA position 2038, C replaced by T.
Protein change: p.Arg680Cys; replaces arginine 680 with cysteine.
Molecular consequence: missense variant.
Genome position (GRCh38, 1-based): chr12:40,993,194, C>T. VCF-style: chr12-40993194-C-T. GRCh37 (hg19) VCF-style: chr12-41386996-C-T.
Other names: c.2038C>T (NM_001843.2); c.2005C>T, p.Arg669Cys (NM_175038.2); short protein forms R669C, R680C.
Identifiers: ClinVar variation 939764 (VCV000939764.9), dbSNP rs1056153404, ClinGen allele CA235944981.
Genomic context (GRCh38, chr12:40,993,194, plus strand): 5'-GAAGGAAATATGGAGGCAGCAAGAGCAGTGGACTTAATCCCATGGATGGAGTATGAATTC[C>T]GCGTGGTAGCAACCAATACACTGGGTAGAGGAGAGCCCAGTATACCATCTAACAGAATTA-3'
Protein context (NP_001834.2, residues 670-690): DLIPWMEYEF[Arg680Cys]VVATNTLGRG

ClinVar aggregate classification (germline): Uncertain significance. Review status: criteria provided, multiple submitters, no conflicts (2 of 4 stars). 2 submissions from 2 submitters: Uncertain significance (2). Last evaluated 2024-04-30.

Conditions:
Inborn genetic diseases. Identifiers: MedGen C0950123, MeSH D030342.
Compton-North congenital myopathy (CMYO12). Identifiers: Orphanet 210163, MedGen C2675527, MONDO:0012929, OMIM 612540.

Allele frequency attached by ClinVar (database versions not stated): gnomAD exomes 0.00001 and 0.00002; TOPMed 0.00001; gnomAD 0.00002.
gnomAD v4.1: 21 of 1,613,450 alleles (0.0013%); highest among the groups gnomAD compares: Middle Eastern, 0.016%; no homozygotes.

Submissions (2):

Ambry Genetics
Classification: Uncertain significance for Inborn genetic diseases. Last evaluated: 2024-04-30. Review status: criteria provided, single submitter. Criteria: Ambry Variant Classification Scheme 2023. Collection method: clinical testing. Allele origin: germline.

Labcorp Genetics (formerly Invitae), Labcorp
Classification: Uncertain significance for Compton-North congenital myopathy. Last evaluated: 2022-10-17. Review status: criteria provided, single submitter. Criteria: Invitae Variant Classification Sherloc (09022015). Collection method: clinical testing. Allele origin: germline.
Comment: In summary, the available evidence is currently insufficient to determine the role of this variant in disease. Therefore, it has been classified as a Variant of Uncertain Significance. Algorithms developed to predict the effect of missense changes on protein structure and function (SIFT, PolyPhen-2, Align-GVGD) all suggest that this variant is likely to be disruptive. ClinVar contains an entry for this variant (Variation ID: 939764). This variant has not been reported in the literature in individuals affected with CNTN1-related conditions. This variant is present in population databases (no rsID available, gnomAD 0.03%). This sequence change replaces arginine, which is basic and polar, with cysteine, which is neutral and slightly polar, at codon 680 of the CNTN1 protein (p.Arg680Cys).